The following is an entry in ClinVar:

NM_000548.5(TSC2):c.976-9G>T

Gene: TSC2 (TSC complex subunit 2; plus strand). Cytogenetic location: 16p13.3.
Variant type: single nucleotide variant.
Coding change: c.976-9G>T on transcript NM_000548.5 (MANE Select); 9 bases into the intron before coding-DNA position 976, G replaced by T.
Molecular consequence: intron variant.
Genome position (GRCh38, 1-based): chr16:2,060,661, G>T. VCF-style: chr16-2060661-G-T. GRCh37 (hg19) VCF-style: chr16-2110662-G-T.
Other names: c.976-9G>T (NM_001114382.3, NM_021055.3, NM_001370405.1 and 3 more transcripts); c.865-9G>T (NM_001318827.2); c.376-9G>T (NM_001318831.2); c.829-9G>T (NM_001318829.2); c.1009-9G>T (NM_001318832.2).
Identifiers: ClinVar variation 2129560 (VCV002129560.5), dbSNP rs367613848, ClinGen allele CA2510638736.

ClinVar aggregate classification (germline): Likely benign. Review status: criteria provided, multiple submitters, no conflicts (2 of 4 stars). 2 submissions from 2 submitters: Likely benign (2). Last evaluated 2025-05-13.

Conditions:
Tuberous sclerosis 2 (TSC2). Identifiers: Orphanet 805, MedGen C1860707, MONDO:0013199, OMIM 613254.

gnomAD v4.1: 2 of 1,613,976 alleles (0.00012%); highest among the groups gnomAD compares: Non-Finnish European, 0.00017%; no homozygotes.

Submissions (2):

Myriad Genetics, Inc.
Classification: Likely benign for Tuberous sclerosis 2. Last evaluated: 2025-05-13. Review status: criteria provided, single submitter. Criteria: Myriad Autosomal Dominant, Autosomal Recessive and X-Linked Classification Criteria (2023). Collection method: clinical testing. Allele origin: unknown.
Comment: This variant is considered likely benign. This variant is intronic and is not expected to impact mRNA splicing.

Labcorp Genetics (formerly Invitae), Labcorp
Classification: Likely benign for Tuberous sclerosis 2. Last evaluated: 2025-03-31. Review status: criteria provided, single submitter. Criteria: Invitae Variant Classification Sherloc (09022015). Collection method: clinical testing. Allele origin: germline.